The following is an entry in ClinVar:

ClinVar aggregate classification (germline): Uncertain significance (1 of 4 stars; one submission).

Allele frequency attached by ClinVar (database versions not stated): gnomAD exomes below 0.00001.
gnomAD v4.1: 1 of 1,613,298 alleles (0.000062%); highest among the groups gnomAD compares: Admixed American, 0.0017%; no homozygotes.

Submission:

GeneDx
Classification: Uncertain significance. Last evaluated: 2019-09-10. Review status: criteria provided, single submitter. Criteria: GeneDx Variant Classification Process June 2021. Collection method: clinical testing. Allele origin: germline. Affected: yes.
Comment: Not observed in large population cohorts (Lek et al., 2016); In silico analysis, which includes protein predictors and evolutionary conservation, supports a deleterious effect; Has not been previously published as pathogenic or benign to our knowledge

NM_024301.5(FKRP):c.1187A>C (p.Lys396Thr)

Gene: FKRP (fukutin related protein; plus strand). Cytogenetic location: 19q13.32.
Variant type: single nucleotide variant.
Coding change: c.1187A>C on transcript NM_024301.5 (MANE Select); coding-DNA position 1187, A replaced by C.
Protein change: p.Lys396Thr; replaces lysine 396 with threonine.
Molecular consequence: missense variant.
Genome position (GRCh38, 1-based): chr19:46,756,637, A>C. VCF-style: chr19-46756637-A-C. GRCh37 (hg19) VCF-style: chr19-47259894-A-C.
Other names: c.1187A>C, p.Lys396Thr (NM_001039885.3); short protein forms K396T.
Identifiers: ClinVar variation 1312153 (VCV001312153.2), dbSNP rs2122633035, ClinGen allele CA406496823.